The following is an entry in ClinVar:

ClinVar aggregate classification (germline): Pathogenic/Likely pathogenic. Review status: criteria provided, multiple submitters, no conflicts (2 of 4 stars). 4 submissions from 4 submitters: Pathogenic (2); Likely pathogenic (2). Last evaluated 2025-06-23.

Conditions:
Glycogen storage disease, type II (IOPD). Also called: CARDIOMEGALIA GLYCOGENICA DIFFUSA; GLYCOGENOSIS, GENERALIZED, CARDIAC FORM; GSD II; Pompe Disease; Glucosidase acid-1,4-alpha deficiency; POMPE DISEASE, INFANTILE-ONSET. Identifiers: Orphanet 365, MedGen C0017921, MONDO:0009290, OMIM 232300.

Allele frequency attached by ClinVar (database versions not stated): gnomAD exomes below 0.00001; ExAC 0.00001.
gnomAD v4.1: 2 of 1,612,468 alleles (0.00012%); highest among the groups gnomAD compares: Non-Finnish European, 0.00017%; no homozygotes.

Submissions (4):

3billion
Classification: Pathogenic for Glycogen storage disease, type II. Last evaluated: 2025-06-23. Review status: criteria provided, single submitter. Criteria: ACMG Guidelines, 2015. Collection method: clinical testing. Allele origin: germline. Affected: yes.
Comment: The variant is observed at an extremely low frequency in the gnomAD v4.1.0 dataset (total allele frequency: <0.001%). Predicted Consequence/Location: Stop-gained (nonsense): predicted to result in a loss or disruption of normal protein function through nonsense-mediated decay (NMD) or protein truncation. Multiple pathogenic variants are reported downstream of the variant. The variant has been reported at least twice as pathogenic with clinical assertions and evidence for the classification (ClinVar ID: VCV001369778). Therefore, this variant is classified as Pathogenic according to the recommendation of ACMG/AMP guideline.

Natera, Inc.
Classification: Likely pathogenic for Glycogen storage disease type II. Last evaluated: 2024-07-22. Review status: criteria provided, single submitter. Criteria: Natera Variant Classification Schema (03/2026). Collection method: clinical testing. Allele origin: germline.
Comment: The c.361C>T variant in GAA is a nonsense variant predicted to introduce a stop codon at amino acid 121. This variant is expected to result in nonsense mediated decay, truncation, or a dysfunctional protein product. This variant is rare in the general population with a frequency below the threshold expected for the associated phenotype(s). Given the available evidence, this variant is classified as Likely Pathogenic.

Baylor Genetics
Classification: Likely pathogenic for Glycogen storage disease, type II. Last evaluated: 2022-08-01. Review status: criteria provided, single submitter. Criteria: ACMG Guidelines, 2015. Collection method: clinical testing. Allele origin: unknown.

Labcorp Genetics (formerly Invitae), Labcorp
Classification: Pathogenic for Glycogen storage disease, type II. Last evaluated: 2021-06-14. Review status: criteria provided, single submitter. Criteria: Invitae Variant Classification Sherloc (09022015). Collection method: clinical testing. Allele origin: germline.
Comment: This sequence change creates a premature translational stop signal (p.Gln121*) in the GAA gene. It is expected to result in an absent or disrupted protein product. Loss-of-function variants in GAA are known to be pathogenic (PMID: 18425781, 22252923). This variant is present in population databases (rs750668627, ExAC 0.002%). This variant has not been reported in the literature in individuals with GAA-related conditions. For these reasons, this variant has been classified as Pathogenic.

Literature cited by the submitters: PubMed 18425781 (cited by Labcorp Genetics (formerly Invitae), Labcorp); PubMed 22252923 (cited by Labcorp Genetics (formerly Invitae), Labcorp).

NM_000152.5(GAA):c.361C>T (p.Gln121Ter)

Gene: GAA (alpha glucosidase; plus strand). Cytogenetic location: 17q25.3.
Variant type: single nucleotide variant.
Coding change: c.361C>T on transcript NM_000152.5 (MANE Select); coding-DNA position 361, C replaced by T.
Protein change: p.Gln121Ter; replaces glutamine 121 with a stop codon.
Molecular consequence: nonsense.
Genome position (GRCh38, 1-based): chr17:80,104,947, C>T. VCF-style: chr17-80104947-C-T. GRCh37 (hg19) VCF-style: chr17-78078746-C-T.
Other names: c.361C>T (NM_000152.4); c.361C>T, p.Gln121Ter (NM_001079803.3, NM_001079804.3); short protein forms Q121*.
Identifiers: ClinVar variation 1369778 (VCV001369778.9), dbSNP rs750668627, ClinGen allele CA8814856.